The following is an entry in ClinVar:

NM_000094.4(COL7A1):c.2709G>A (p.Glu903=)

Gene: COL7A1 (collagen type VII alpha 1 chain; minus strand). Cytogenetic location: 3p21.31.
Variant type: single nucleotide variant.
Coding change: c.2709G>A on transcript NM_000094.4 (MANE Select); coding-DNA position 2709, G replaced by A.
Protein change: p.Glu903=; no amino-acid change (glutamic acid 903 retained).
Molecular consequence: synonymous variant.
Genome position (GRCh38, 1-based): chr3:48,588,283, C>T on the plus strand (G>A on the coding strand, the complement: COL7A1 is on the minus strand). VCF-style: chr3-48588283-C-T. GRCh37 (hg19) VCF-style: chr3-48625716-C-T.
Identifiers: ClinVar variation 1378769 (VCV001378769.6), dbSNP rs2045429277, ClinGen allele CA433545547.

ClinVar aggregate classification (germline): Uncertain significance (1 of 4 stars; one submission).

Allele frequency attached by ClinVar (database versions not stated): gnomAD 0.00001; gnomAD exomes 0.00001.
gnomAD v4.1: 4 of 1,612,906 alleles (0.00025%); highest among the groups gnomAD compares: Non-Finnish European, 0.00034%; no homozygotes.

Submission:

Labcorp Genetics (formerly Invitae), Labcorp
Classification: Uncertain significance. Last evaluated: 2021-08-09. Review status: criteria provided, single submitter. Criteria: Invitae Variant Classification Sherloc (09022015). Collection method: clinical testing. Allele origin: germline.
Comment: In summary, the available evidence is currently insufficient to determine the role of this variant in disease. Therefore, it has been classified as a Variant of Uncertain Significance. Algorithms developed to predict the effect of sequence changes on RNA splicing suggest that this variant may create or strengthen a splice site, but this prediction has not been confirmed by published transcriptional studies. This variant has not been reported in the literature in individuals with COL7A1-related conditions. This variant is not present in population databases (ExAC no frequency). This sequence change affects codon 903 of the COL7A1 mRNA. It is a 'silent' change, meaning that it does not change the encoded amino acid sequence of the COL7A1 protein.